The following is an entry in ClinVar:

ClinVar aggregate classification (germline): Uncertain significance (1 of 4 stars; one submission).

gnomAD v4.1: 1 of 1,545,782 alleles (0.000065%); no homozygotes.

Submission:

Labcorp Genetics (formerly Invitae), Labcorp
Classification: Uncertain significance. Last evaluated: 2022-06-03. Review status: criteria provided, single submitter. Criteria: Invitae Variant Classification Sherloc (09022015). Collection method: clinical testing. Allele origin: germline.
Comment: In summary, the available evidence is currently insufficient to determine the role of this variant in disease. Therefore, it has been classified as a Variant of Uncertain Significance. Algorithms developed to predict the effect of missense changes on protein structure and function (SIFT, PolyPhen-2, Align-GVGD) all suggest that this variant is likely to be tolerated. ClinVar contains an entry for this variant (Variation ID: 1370359). This variant has not been reported in the literature in individuals affected with DLL4-related conditions. The frequency data for this variant in the population databases is considered unreliable, as metrics indicate poor data quality at this position in the gnomAD database. This sequence change replaces alanine, which is neutral and non-polar, with valine, which is neutral and non-polar, at codon 2 of the DLL4 protein (p.Ala2Val).

NM_019074.4(DLL4):c.5C>T (p.Ala2Val)

Gene: DLL4 (delta like canonical Notch ligand 4; plus strand). Cytogenetic location: 15q15.1.
Variant type: single nucleotide variant.
Coding change: c.5C>T on transcript NM_019074.4 (MANE Select); coding-DNA position 5, C replaced by T.
Protein change: p.Ala2Val; replaces alanine 2 with valine.
Molecular consequence: missense variant.
Genome position (GRCh38, 1-based): chr15:40,929,673, C>T. VCF-style: chr15-40929673-C-T. GRCh37 (hg19) VCF-style: chr15-41221871-C-T.
Other names: short protein forms A2V.
Identifiers: ClinVar variation 1370359 (VCV001370359.6), dbSNP rs754069384, ClinGen allele CA7487569.